The following is an entry in ClinVar:

NM_001267550.2(TTN):c.11902A>G (p.Thr3968Ala)

Gene: TTN (titin; minus strand). Cytogenetic location: 2q31.2.
Variant type: single nucleotide variant.
Coding change: c.11902A>G on transcript NM_001267550.2 (MANE Select); coding-DNA position 11902, A replaced by G.
Protein change: p.Thr3968Ala; replaces threonine 3968 with alanine.
Molecular consequence: missense variant. On other transcripts: intron variant (1).
Genome position (GRCh38, 1-based): chr2:178,741,331, T>C on the plus strand (A>G on the coding strand, the complement: TTN is on the minus strand). VCF-style: chr2-178741331-T-C. GRCh37 (hg19) VCF-style: chr2-179606058-T-C.
Other names: c.10951A>G, p.Thr3651Ala (NM_001256850.1); c.10813A>G, p.Thr3605Ala (NM_003319.4); c.11188A>G, p.Thr3730Ala (NM_133432.3); c.11389A>G, p.Thr3797Ala (NM_133437.4); c.10361-2971A>G (NM_133378.4); short protein forms T3968A, T3605A, T3730A, T3797A, T3651A.
Identifiers: ClinVar variation 682609 (VCV000682609.1), dbSNP rs540085214, ClinGen allele CA60984639.

ClinVar aggregate classification (germline): Likely benign (1 of 4 stars; one submission).

Allele frequency attached by ClinVar (database versions not stated): gnomAD 0.00003; gnomAD exomes 0.00001.
gnomAD v4.1: 14 of 1,613,734 alleles (0.00087%); highest among the groups gnomAD compares: Non-Finnish European, 0.0012%; no homozygotes.

Submission:

GeneDx
Classification: Likely benign. Last evaluated: 2018-04-26. Review status: criteria provided, single submitter. Criteria: GeneDx Variant Classification (06012015). Collection method: clinical testing. Allele origin: germline. Affected: yes.
Comment: This variant is considered likely benign or benign based on one or more of the following criteria: it is a conservative change, it occurs at a poorly conserved position in the protein, it is predicted to be benign by multiple in silico algorithms, and/or has population frequency not consistent with disease.